The following is an entry in ClinVar:

ClinVar aggregate classification (germline): Uncertain significance. Review status: criteria provided, multiple submitters, no conflicts (2 of 4 stars). 3 submissions from 3 submitters: Uncertain significance (3). Last evaluated 2024-11-11.

Allele frequency attached by ClinVar (database versions not stated): gnomAD exomes 0.00001; gnomAD 0.00002; TOPMed 0.00002.
gnomAD v4.1: 14 of 1,613,866 alleles (0.00087%); highest among the groups gnomAD compares: Non-Finnish European, 0.0011%; no homozygotes.

Submissions (3):

Labcorp Genetics (formerly Invitae), Labcorp
Classification: Uncertain significance. Last evaluated: 2024-11-11. Review status: criteria provided, single submitter. Criteria: Invitae Variant Classification Sherloc (09022015). Collection method: clinical testing. Allele origin: germline.
Comment: This sequence change replaces glutamic acid, which is acidic and polar, with glycine, which is neutral and non-polar, at codon 2544 of the ADGRV1 protein (p.Glu2544Gly). This variant is present in population databases (rs111033523, gnomAD 0.002%). This variant has not been reported in the literature in individuals affected with ADGRV1-related conditions. ClinVar contains an entry for this variant (Variation ID: 46378). Invitae Evidence Modeling of protein sequence and biophysical properties (such as structural, functional, and spatial information, amino acid conservation, physicochemical variation, residue mobility, and thermodynamic stability) indicates that this missense variant is not expected to disrupt ADGRV1 protein function with a negative predictive value of 95%. In summary, the available evidence is currently insufficient to determine the role of this variant in disease. Therefore, it has been classified as a Variant of Uncertain Significance.

Blueprint Genetics
Classification: Uncertain significance. Last evaluated: 2021-11-08. Review status: criteria provided, single submitter. Criteria: ACMG Guidelines, 2015. Collection method: clinical testing. Allele origin: germline.

Laboratory for Molecular Medicine, Mass General Brigham Personalized Medicine
Classification: Uncertain significance. Last evaluated: 2010-01-28. Review status: criteria provided, single submitter. Criteria: LMM Criteria. Collection method: clinical testing. Allele origin: germline. Observed: 1 variant allele.

NM_032119.4(ADGRV1):c.7631A>G (p.Glu2544Gly)

Gene: ADGRV1 (adhesion G protein-coupled receptor V1; plus strand). Cytogenetic location: 5q14.3.
Variant type: single nucleotide variant.
Coding change: c.7631A>G on transcript NM_032119.4 (MANE Select); coding-DNA position 7631, A replaced by G.
Protein change: p.Glu2544Gly; replaces glutamic acid 2544 with glycine.
Molecular consequence: missense variant. On other transcripts: non-coding transcript variant (1).
Genome position (GRCh38, 1-based): chr5:90,694,387, A>G. VCF-style: chr5-90694387-A-G. GRCh37 (hg19) VCF-style: chr5-89990204-A-G.
Other names: short protein forms E2544G.
Identifiers: ClinVar variation 46378 (VCV000046378.11), dbSNP rs111033523, ClinGen allele CA138222.
Genomic context (GRCh38, chr5:90,694,387, plus strand): 5'-TGTCTATTCTTCCTGATGATTTCCCAGAGATGGATGAGAGTTTTCTAATTTCTCTCCTTG[A>G]AGTTCACCTCATGAACATTTCAGCCAGTTTGAAAAATCAGCCAACCATAGGACAGCCAAA-3'
Protein context (NP_115495.3, residues 2534-2554): MDESFLISLL[Glu2544Gly]VHLMNISASL